The following is an entry in ClinVar:

NM_005499.3(UBA2):c.650-1G>C

Gene: UBA2 (ubiquitin like modifier activating enzyme 2; plus strand). Cytogenetic location: 19q13.11.
Variant type: single nucleotide variant.
Coding change: c.650-1G>C on transcript NM_005499.3 (MANE Select); the canonical splice acceptor site of the intron before coding-DNA position 650, G replaced by C.
Molecular consequence: splice acceptor variant.
Genome position (GRCh38, 1-based): chr19:34,444,999, G>C. VCF-style: chr19-34444999-G-C. GRCh37 (hg19) VCF-style: chr19-34935904-G-C.
Other names: c.362-1G>C (NM_001411139.1).
Identifiers: ClinVar variation 3767658 (VCV003767658.1).

ClinVar aggregate classification (germline): Pathogenic (1 of 4 stars; one submission).

Submission:

GeneDx
Classification: Pathogenic. Last evaluated: 2024-09-05. Review status: criteria provided, single submitter. Criteria: GeneDx Variant Classification Process June 2021. Collection method: clinical testing. Allele origin: germline. Affected: yes.
Comment: Canonical splice site variant predicted to result in a null allele in a gene for which loss of function is a known mechanism of disease; Not observed at significant frequency in large population cohorts (gnomAD); Has not been previously published as pathogenic or benign to our knowledge